The following is an entry in ClinVar:

NM_058216.3(RAD51C):c.846A>C (p.Leu282Phe)

Gene: RAD51C (RAD51 paralog C; plus strand). Cytogenetic location: 17q22.
Variant type: single nucleotide variant.
Coding change: c.846A>C on transcript NM_058216.3 (MANE Select); coding-DNA position 846, A replaced by C.
Protein change: p.Leu282Phe; replaces leucine 282 with phenylalanine.
Molecular consequence: missense variant. On other transcripts: non-coding transcript variant (1).
Genome position (GRCh38, 1-based): chr17:58,720,754, A>C. VCF-style: chr17-58720754-A-C. GRCh37 (hg19) VCF-style: chr17-56798115-A-C.
Other names: short protein forms L282F.
Identifiers: ClinVar variation 4740348 (VCV004740348.1).
Genomic context (GRCh38, chr17:58,720,754, plus strand): 5'-TTGATAATTTTCAAAGAGACTCACCTAATTTTCTTACATTTTGTTTTTGTAGGTAATTTT[A>C]ACCAATCAGATGACAACAAAGATTGATAGAAATCAGGCCTTGCTTGTTCCTGCATTAGGT-3'
Protein context (NP_478123.1, residues 272-292): LANNHRLAVI[Leu282Phe]TNQMTTKIDR

ClinVar aggregate classification (germline): Uncertain significance (1 of 4 stars; one submission).

Conditions:
Fanconi anemia complementation group O. Also called: RAD51C-Related Fanconi Anemia. Identifiers: Orphanet 84, MedGen C3150653, MONDO:0013248, OMIM 613390.

Submission:

Labcorp Genetics (formerly Invitae), Labcorp
Classification: Uncertain significance for Fanconi anemia complementation group O. Last evaluated: 2025-11-18. Review status: criteria provided, single submitter. Criteria: Invitae Variant Classification Sherloc (09022015). Collection method: clinical testing. Allele origin: germline.
Comment: This sequence change replaces leucine, which is neutral and non-polar, with phenylalanine, which is neutral and non-polar, at codon 282 of the RAD51C protein (p.Leu282Phe). This variant is not present in population databases (gnomAD no frequency). This variant has not been reported in the literature in individuals affected with RAD51C-related conditions. Invitae Evidence Modeling of protein sequence and biophysical properties (such as structural, functional, and spatial information, amino acid conservation, physicochemical variation, residue mobility, and thermodynamic stability) indicates that this missense variant is not expected to disrupt RAD51C protein function with a negative predictive value of 80%. In summary, the available evidence is currently insufficient to determine the role of this variant in disease. Therefore, it has been classified as a Variant of Uncertain Significance.